The following is an entry in ClinVar:

ClinVar aggregate classification (germline): Uncertain significance (1 of 4 stars; one submission).

Conditions:
Marfan syndrome (MFS). Also called: MARFAN SYNDROME, TYPE I; Marfan syndrome type 1; Marfan's syndrome; Marfan syndrome, classic; FBN1-Related Marfan Syndrome. Identifiers: Orphanet 284963, Orphanet 558, MedGen C0024796, MONDO:0007947, OMIM 154700.

Submission:

All of Us Research Program, National Institutes of Health
Classification: Uncertain significance for Marfan syndrome. Last evaluated: 2023-11-20. Review status: criteria provided, single submitter. Criteria: ACMG Guidelines, 2015. Collection method: clinical testing. Allele origin: germline. Inheritance: Autosomal dominant inheritance. Observed: 1 variant allele, 1 heterozygote.
Comment: This variant causes a T to C nucleotide substitution at the +5 position of intron 21 of the FBN1 gene. To our knowledge, functional studies have not been reported for this variant. This variant has not been reported in individuals affected with FBN1-related disorders in the literature. This variant has not been identified in the general population by the Genome Aggregation Database (gnomAD). The available evidence is insufficient to determine the role of this variant in disease conclusively. Therefore, this variant is classified as a Variant of Uncertain Significance.

This study involves interpretation of variants in research participants for the purpose of population health screening. Participant phenotype was not available at the time of variant classification. Additional details can be found in publication PMID: 35346344, PMCID: PMC8962531

NM_000138.5(FBN1):c.2539+5T>C

Gene: FBN1 (fibrillin 1; minus strand). Cytogenetic location: 15q21.1.
Variant type: single nucleotide variant.
Coding change: c.2539+5T>C on transcript NM_000138.5 (MANE Select); 5 bases into the intron after coding-DNA position 2539, T replaced by C.
Molecular consequence: intron variant.
Genome position (GRCh38, 1-based): chr15:48,495,464, A>G on the plus strand (T>C on the coding strand, the complement: FBN1 is on the minus strand). VCF-style: chr15-48495464-A-G. GRCh37 (hg19) VCF-style: chr15-48787661-A-G.
Other names: c.2539+5T>C (NM_001406716.1).
Identifiers: ClinVar variation 3074547 (VCV003074547.1), dbSNP rs2505571719, ClinGen allele CA2575717361.